The following is an entry in ClinVar:

ClinVar aggregate classification (germline): Uncertain significance (1 of 4 stars; one submission).

Conditions:
Early-infantile DEE. Also called: Early infantile epileptic encephalopathy; Ohtahara syndrome; Early infantile epileptic encephalopathy with suppression bursts. Identifiers: Orphanet 1934, MedGen C0393706, MONDO:0800491.

gnomAD v4.1: 1 of 1,613,856 alleles (0.000062%); no homozygotes.

Submission:

Labcorp Genetics (formerly Invitae), Labcorp
Classification: Uncertain significance for Early-infantile DEE. Last evaluated: 2024-06-03. Review status: criteria provided, single submitter. Criteria: Invitae Variant Classification Sherloc (09022015). Collection method: clinical testing. Allele origin: germline.
Comment: This sequence change replaces glutamic acid, which is acidic and polar, with glycine, which is neutral and non-polar, at codon 1878 of the SCN1A protein (p.Glu1878Gly). This variant is not present in population databases (gnomAD no frequency). This variant has not been reported in the literature in individuals affected with SCN1A-related conditions. Advanced modeling of protein sequence and biophysical properties (such as structural, functional, and spatial information, amino acid conservation, physicochemical variation, residue mobility, and thermodynamic stability) performed at Invitae indicates that this missense variant is expected to disrupt SCN1A protein function with a positive predictive value of 95%. In summary, the available evidence is currently insufficient to determine the role of this variant in disease. Therefore, it has been classified as a Variant of Uncertain Significance.

NM_001165963.4(SCN1A):c.5633A>G (p.Glu1878Gly)

Genes: SCN1A (sodium voltage-gated channel alpha subunit 1; minus strand), LOC102724058 (uncharacterized LOC102724058; plus strand). Cytogenetic location: 2q24.3.
Variant type: single nucleotide variant.
Coding change: c.5633A>G on transcript NM_001165963.4 (MANE Select); coding-DNA position 5633, A replaced by G.
Protein change: p.Glu1878Gly; replaces glutamic acid 1878 with glycine.
Molecular consequence: missense variant. On other transcripts: non-coding transcript variant (1).
Genome position (GRCh38, 1-based): chr2:165,991,642, T>C on the plus strand (A>G on the coding strand, the complement: SCN1A is on the minus strand). VCF-style: chr2-165991642-T-C. GRCh37 (hg19) VCF-style: chr2-166848152-T-C.
Other names: c.5546A>G, p.Glu1849Gly (NM_001353960.2); c.3191A>G, p.Glu1064Gly (NM_001353961.2); c.5600A>G, p.Glu1867Gly (NM_006920.6, NM_001353949.2, NM_001353950.2 and 2 more transcripts); c.5633A>G, p.Glu1878Gly (NM_001353948.2, NM_001202435.3); c.5597A>G, p.Glu1866Gly (NM_001353954.2, NM_001353955.2); c.5549A>G, p.Glu1850Gly (NM_001353957.2, NM_001353958.2, NM_001165964.3); short protein forms E1867G, E1850G, E1866G, E1064G, E1878G, E1849G.
Identifiers: ClinVar variation 3633995 (VCV003633995.2).